The following is an entry in ClinVar:

NM_000384.3(APOB):c.3548A>T (p.Asn1183Ile)

Gene: APOB (apolipoprotein B; minus strand). Cytogenetic location: 2p24.1.
Variant type: single nucleotide variant.
Coding change: c.3548A>T on transcript NM_000384.3 (MANE Select); coding-DNA position 3548, A replaced by T.
Protein change: p.Asn1183Ile; replaces asparagine 1183 with isoleucine.
Molecular consequence: missense variant.
Genome position (GRCh38, 1-based): chr2:21,015,221, T>A on the plus strand (A>T on the coding strand, the complement: APOB is on the minus strand). VCF-style: chr2-21015221-T-A. GRCh37 (hg19) VCF-style: chr2-21238093-T-A.
Other names: short protein forms N1183I.
Identifiers: ClinVar variation 5027513 (VCV005027513.1).
Genomic context (GRCh38, chr2:21,015,221, plus strand): 5'-CTCTTAGGATAATCGGAGAGATCCACAGGGAAATTGGAAGTCATTTTTTTGGTATCTACA[T>A]TGGTGCCTGTGTTCCATTCAAATTCAATCTTCTCTTCATCTGAAAATACGTAGGAAATAG-3'
Protein context (NP_000375.3, residues 1173-1193): KIEFEWNTGT[Asn1183Ile]VDTKKMTSNF

ClinVar aggregate classification (germline): Uncertain significance (1 of 4 stars; one submission).

Conditions:
Cardiovascular phenotype. Identifiers: MedGen CN230736.

Submission:

Ambry Genetics
Classification: Uncertain significance for Cardiovascular phenotype. Last evaluated: 2026-07-06. Review status: criteria provided, single submitter. Criteria: Ambry Variant Classification Scheme 2023. Collection method: clinical testing. Allele origin: germline.
Comment: The p.N1183I variant (also known as c.3548A>T), located in coding exon 23 of the APOB gene, results from an A to T substitution at nucleotide position 3548. The asparagine at codon 1183 is replaced by isoleucine, an amino acid with dissimilar properties. This amino acid position is conserved. In addition, this alteration is predicted to be tolerated by in silico analysis. Based on the available evidence, the clinical significance of this variant remains unclear.